The following is an entry in ClinVar:

NM_206933.4(USH2A):c.13936C>A (p.Pro4646Thr)

Gene: USH2A (usherin; minus strand). Cytogenetic location: 1q41.
Variant type: single nucleotide variant.
Coding change: c.13936C>A on transcript NM_206933.4 (MANE Select); coding-DNA position 13936, C replaced by A.
Protein change: p.Pro4646Thr; replaces proline 4646 with threonine.
Molecular consequence: missense variant.
Genome position (GRCh38, 1-based): chr1:215,671,169, G>T on the plus strand (C>A on the coding strand, the complement: USH2A is on the minus strand). VCF-style: chr1-215671169-G-T. GRCh37 (hg19) VCF-style: chr1-215844511-G-T.
Other names: c.13936C>A (NM_206933.2); short protein forms P4646T.
Identifiers: ClinVar variation 2140386 (VCV002140386.4), dbSNP rs751304353, ClinGen allele CA1393176.

ClinVar aggregate classification (germline): Uncertain significance. Review status: criteria provided, multiple submitters, no conflicts (2 of 4 stars). 4 submissions from 4 submitters: Uncertain significance (4). Last evaluated 2026-04-09.

Conditions:
Inborn genetic diseases. Identifiers: MedGen C0950123, MeSH D030342.
USH2A-related disorder. Also called: USH2A-related condition; USH2A-related disorders. Identifiers: MedGen CN239332.

Allele frequency attached by ClinVar (database versions not stated): ExAC 0.00004; gnomAD 0.00004; TOPMed 0.00008.
gnomAD v4.1: 222 of 1,613,968 alleles (0.014%); highest among the groups gnomAD compares: Non-Finnish European, 0.018%; no homozygotes.

Submissions (4):

PreventionGenetics, part of Exact Sciences
Classification: Uncertain significance for USH2A-related condition. Last evaluated: 2026-04-09. Review status: criteria provided, single submitter. Criteria: ACMG Guidelines, 2015. Collection method: clinical testing. Allele origin: germline.
Comment: The USH2A c.13936C>A variant is predicted to result in the amino acid substitution p.Pro4646Thr. To our knowledge, this variant has not been reported in the literature. This variant is reported in 0.012% of alleles in individuals of European (Non-Finnish) descent in gnomAD. At this time, the clinical significance of this variant is uncertain due to the absence of conclusive functional and genetic evidence.

Blueprint Genetics
Classification: Uncertain significance. Last evaluated: 2024-10-17. Review status: criteria provided, single submitter. Criteria: ACMG Guidelines, 2015. Collection method: clinical testing. Allele origin: germline.

Ambry Genetics
Classification: Uncertain significance for Inborn genetic diseases. Last evaluated: 2024-06-10. Review status: criteria provided, single submitter. Criteria: Ambry Variant Classification Scheme 2023. Collection method: clinical testing. Allele origin: germline.

Labcorp Genetics (formerly Invitae), Labcorp
Classification: Uncertain significance. Last evaluated: 2022-09-01. Review status: criteria provided, single submitter. Criteria: Invitae Variant Classification Sherloc (09022015). Collection method: clinical testing. Allele origin: germline.
Comment: This sequence change replaces proline, which is neutral and non-polar, with threonine, which is neutral and polar, at codon 4646 of the USH2A protein (p.Pro4646Thr). This variant is present in population databases (rs751304353, gnomAD 0.01%). This variant has not been reported in the literature in individuals affected with USH2A-related conditions. Algorithms developed to predict the effect of missense changes on protein structure and function (SIFT, PolyPhen-2, Align-GVGD) all suggest that this variant is likely to be tolerated. In summary, the available evidence is currently insufficient to determine the role of this variant in disease. Therefore, it has been classified as a Variant of Uncertain Significance.